The following is an entry in ClinVar:

ClinVar aggregate classification (germline): Uncertain significance (1 of 4 stars; one submission).

Conditions:
Atrioventricular septal defect 4 (AVSD4). Identifiers: MedGen C3280781, MONDO:0013747, OMIM 614430.

gnomAD v4.1: 1 of 1,613,834 alleles (0.000062%); highest among the groups gnomAD compares: South Asian, 0.0011%; no homozygotes.

Submission:

Labcorp Genetics (formerly Invitae), Labcorp
Classification: Uncertain significance for Atrioventricular septal defect 4. Last evaluated: 2022-06-12. Review status: criteria provided, single submitter. Criteria: Invitae Variant Classification Sherloc (09022015). Collection method: clinical testing. Allele origin: germline.
Comment: This sequence change replaces glutamine, which is neutral and polar, with histidine, which is basic and polar, at codon 382 of the GATA4 protein (p.Gln382His). This variant also falls at the last nucleotide of exon 6, which is part of the consensus splice site for this exon. This variant is not present in population databases (gnomAD no frequency). This variant has not been reported in the literature in individuals affected with GATA4-related conditions. Algorithms developed to predict the effect of missense changes on protein structure and function are either unavailable or do not agree on the potential impact of this missense change (SIFT: "Deleterious"; PolyPhen-2: "Possibly Damaging"; Align-GVGD: "Class C0"). Variants that disrupt the consensus splice site are a relatively common cause of aberrant splicing (PMID: 17576681, 9536098). In summary, the available evidence is currently insufficient to determine the role of this variant in disease. Therefore, it has been classified as a Variant of Uncertain Significance.

Literature cited by the submitters: PubMed 17576681; PubMed 9536098.

NM_001308093.3(GATA4):c.1149G>C (p.Gln383His)

Gene: GATA4 (GATA binding protein 4). Cytogenetic location: 8p23.1.
Variant type: single nucleotide variant.
Coding change: c.1149G>C on transcript NM_001308093.3 (MANE Select); coding-DNA position 1149, G replaced by C.
Protein change: p.Gln383His; replaces glutamine 383 with histidine.
Molecular consequence: missense variant.
Genome position (GRCh38, 1-based): chr8:11,757,083, G>C. VCF-style: chr8-11757083-G-C. GRCh37 (hg19) VCF-style: chr8-11614592-G-C.
Other names: c.528G>C, p.Gln176His (NM_001308094.2, NM_001374273.1); c.402G>C, p.Gln134His (NM_001374274.1); c.1146G>C, p.Gln382His (NM_002052.5); short protein forms Q134H, Q176H, Q383H, Q382H.
Identifiers: ClinVar variation 1990314 (VCV001990314.4), dbSNP rs751950851, ClinGen allele CA370315514.